The following is an entry in ClinVar:

NM_003477.3(PDHX):c.965-319A>T

Gene: PDHX (pyruvate dehydrogenase complex component X; plus strand). Cytogenetic location: 11p13.
Variant type: single nucleotide variant.
Coding change: c.965-319A>T on transcript NM_003477.3 (MANE Select); 319 bases into the intron before coding-DNA position 965, A replaced by T.
Molecular consequence: intron variant.
Genome position (GRCh38, 1-based): chr11:34,977,805, A>T. VCF-style: chr11-34977805-A-T. GRCh37 (hg19) VCF-style: chr11-34999352-A-T.
Other names: c.785-319A>T (NM_001135024.2); c.343-6765A>T (NM_001166158.2).
Identifiers: ClinVar variation 2498511 (VCV002498511.28), dbSNP rs117341628, ClinGen allele CA5946047.

ClinVar aggregate classification (germline): Benign (1 of 4 stars; one submission).

Allele frequency attached by ClinVar (database versions not stated): 1000 Genomes Project 0.00339; 1000 Genomes Project 30x 0.00344; ExAC 0.00598.
gnomAD v4.1: 3,521 of 470,404 alleles (0.75%); highest among the groups gnomAD compares: Middle Eastern, 2.4%; 39 homozygotes.

Submission:

CeGaT Center for Human Genetics Tuebingen
Classification: Benign. Last evaluated: 2023-11-01. Review status: criteria provided, single submitter. Criteria: CeGaT Center For Human Genetics Tuebingen Variant Classification Criteria Version 2. Collection method: clinical testing. Allele origin: germline. Affected: yes. Observed: 6 variant alleles.
Comment: PDHX: BS1, BS2